The following is an entry in ClinVar:

ClinVar aggregate classification (germline): Uncertain significance (1 of 4 stars; one submission).

Conditions:
Cardiovascular phenotype. Identifiers: MedGen CN230736.

Submission:

Ambry Genetics
Classification: Uncertain significance for Cardiovascular phenotype. Last evaluated: 2026-03-28. Review status: criteria provided, single submitter. Criteria: Ambry Variant Classification Scheme 2023. Collection method: clinical testing. Allele origin: germline.
Comment: The p.L1952W variant (also known as c.5855T>G), located in coding exon 24 of the AKAP9 gene, results from a T to G substitution at nucleotide position 5855. The leucine at codon 1952 is replaced by tryptophan, an amino acid with similar properties. This amino acid position is conserved. In addition, this alteration is predicted to be tolerated by in silico analysis. Based on the available evidence, the clinical significance of this variant remains unclear.

NM_005751.5(AKAP9):c.5855T>G (p.Leu1952Trp)

Gene: AKAP9 (A-kinase anchoring protein 9; plus strand). Cytogenetic location: 7q21.2.
Variant type: single nucleotide variant.
Coding change: c.5855T>G on transcript NM_005751.5 (MANE Select); coding-DNA position 5855, T replaced by G.
Protein change: p.Leu1952Trp; replaces leucine 1952 with tryptophan.
Molecular consequence: missense variant.
Genome position (GRCh38, 1-based): chr7:92,062,364, T>G. VCF-style: chr7-92062364-T-G. GRCh37 (hg19) VCF-style: chr7-91691678-T-G.
Other names: c.5855T>G, p.Leu1952Trp (NM_147185.3); c.500T>G, p.Leu167Trp (NM_001379277.1); short protein forms L167W, L1952W.
Identifiers: ClinVar variation 4868899 (VCV004868899.1).